The following is an entry in ClinVar:

NM_000051.4(ATM):c.4002C>T (p.His1334=)

Gene: ATM (ATM serine/threonine kinase; plus strand). Cytogenetic location: 11q22.3.
Variant type: single nucleotide variant.
Coding change: c.4002C>T on transcript NM_000051.4 (MANE Select); coding-DNA position 4002, C replaced by T.
Protein change: p.His1334=; no amino-acid change (histidine 1334 retained).
Molecular consequence: synonymous variant.
Genome position (GRCh38, 1-based): chr11:108,287,608, C>T. VCF-style: chr11-108287608-C-T. GRCh37 (hg19) VCF-style: chr11-108158335-C-T.
Other names: c.4002C>T, p.His1334= (NM_001351834.2).
Identifiers: ClinVar variation 232213 (VCV000232213.9), dbSNP rs876659622, ClinGen allele CA10579132.

ClinVar aggregate classification (germline): Benign/Likely benign. Review status: criteria provided, multiple submitters, no conflicts (2 of 4 stars). 3 submissions from 3 submitters: Benign (1); Likely benign (2). Last evaluated 2025-01-07.

Conditions:
Hereditary cancer-predisposing syndrome. Also called: Hereditary Cancer Syndrome; Neoplastic Syndromes, Hereditary; Tumor predisposition; Hereditary neoplastic syndrome. Identifiers: Orphanet 140162, MedGen C0027672, MeSH D009386, MONDO:0015356.
Ataxia-telangiectasia syndrome (AT). Also called: Ataxia telangiectasia (A-T); Ataxia-telangiectasia, complementation group E; LOUIS-BAR SYNDROME; Cerebello-oculocutaneous telangiectasia; Immunodeficiency with ataxia telangiectasia; Ataxia-telangiectasia, complementation group D. Identifiers: Orphanet 100, MedGen C0004135, MONDO:0008840, OMIM 208900.
Familial cancer of breast. Also called: Hereditary breast cancer; hereditary breast carcinoma; BREAST CANCER, FAMILIAL. Identifiers: Orphanet 227535, MedGen C0346153, MONDO:0016419, OMIM 114480. Disease mechanism: loss of function.

Submissions (3):

Labcorp Genetics (formerly Invitae), Labcorp
Classification: Likely benign for Ataxia-telangiectasia syndrome. Last evaluated: 2025-01-07. Review status: criteria provided, single submitter. Criteria: Invitae Variant Classification Sherloc (09022015). Collection method: clinical testing. Allele origin: germline.

Myriad Genetics, Inc.
Classification: Benign for Familial cancer of breast. Last evaluated: 2024-05-16. Review status: criteria provided, single submitter. Criteria: Myriad Autosomal Dominant, Autosomal Recessive and X-Linked Classification Criteria (2023). Collection method: clinical testing. Allele origin: unknown.
Comment: This variant is considered benign. This variant is a silent/synonymous amino acid change and it is not expected to impact splicing.

Ambry Genetics
Classification: Likely benign for Hereditary cancer-predisposing syndrome. Last evaluated: 2015-06-03. Review status: criteria provided, single submitter. Criteria: Ambry Variant Classification Scheme 2023. Collection method: clinical testing. Allele origin: germline.